The following is an entry in ClinVar:

ClinVar aggregate classification (germline): Uncertain significance (1 of 4 stars; one submission).

Submission:

Ambry Genetics
Classification: Uncertain significance. Last evaluated: 2024-06-30. Review status: criteria provided, single submitter. Criteria: Ambry Variant Classification Scheme 2023. Collection method: clinical testing. Allele origin: germline.
Comment: The p.F272V variant (also known as c.814T>G), located in coding exon 3 of the ALPK2 gene, results from a T to G substitution at nucleotide position 814. The phenylalanine at codon 272 is replaced by valine, an amino acid with highly similar properties. This amino acid position is conserved. In addition, this alteration is predicted to be tolerated by in silico analysis. Based on the available evidence, the clinical significance of this variant remains unclear.

NM_052947.4(ALPK2):c.814T>G (p.Phe272Val)

Genes: ALPK2 (alpha kinase 2; minus strand), LOC114803473 (ALPK2 eExon liver enhancer; plus strand). Cytogenetic location: 18q21.31.
Variant type: single nucleotide variant.
Coding change: c.814T>G on transcript NM_052947.4 (MANE Select); coding-DNA position 814, T replaced by G.
Protein change: p.Phe272Val; replaces phenylalanine 272 with valine.
Molecular consequence: missense variant.
Genome position (GRCh38, 1-based): chr18:58,579,962, A>C on the plus strand (T>G on the coding strand, the complement: ALPK2 is on the minus strand). VCF-style: chr18-58579962-A-C. GRCh37 (hg19) VCF-style: chr18-56247194-A-C.
Other names: short protein forms F272V.
Identifiers: ClinVar variation 3530569 (VCV003530569.1).